The following is an entry in ClinVar:

NM_001001331.4(ATP2B2):c.1035G>C (p.Gln345His)

Gene: ATP2B2 (ATPase plasma membrane Ca2+ transporting 2; minus strand). Cytogenetic location: 3p25.3.
Variant type: single nucleotide variant.
Coding change: c.1035G>C on transcript NM_001001331.4 (MANE Select); coding-DNA position 1035, G replaced by C.
Protein change: p.Gln345His; replaces glutamine 345 with histidine.
Molecular consequence: missense variant. On other transcripts: intron variant (4).
Genome position (GRCh38, 1-based): chr3:10,379,250, C>G on the plus strand (G>C on the coding strand, the complement: ATP2B2 is on the minus strand). VCF-style: chr3-10379250-C-G. GRCh37 (hg19) VCF-style: chr3-10420934-C-G.
Other names: c.908-840G>C (NM_001353564.1, NM_001683.5, NM_001330611.3 and 1 more transcripts); short protein forms Q345H.
Identifiers: ClinVar variation 2581956 (VCV002581956.1), dbSNP rs1288044077, ClinGen allele CA351785476.

ClinVar aggregate classification (germline): Uncertain significance (1 of 4 stars; one submission).

Submission:

GeneDx
Classification: Uncertain significance. Last evaluated: 2023-03-29. Review status: criteria provided, single submitter. Criteria: GeneDx Variant Classification Process June 2021. Collection method: clinical testing. Allele origin: germline. Affected: yes.
Comment: Not observed at significant frequency in large population cohorts (gnomAD); In silico analysis supports that this missense variant has a deleterious effect on protein structure/function; Has not been previously published as pathogenic or benign to our knowledge; Reported using an alternate transcript of the gene